The following is an entry in ClinVar:

NM_000059.4(BRCA2):c.5049_5050del (p.Gln1683fs)

Gene: BRCA2 (BRCA2 DNA repair associated; plus strand). Cytogenetic location: 13q13.1.
Variant type: Deletion.
Coding change: c.5049_5050del on transcript NM_000059.4 (MANE Select); coding-DNA positions 5049 to 5050, 2 bases deleted (GA; older notation c.5049_5050delGA).
Protein change: p.Gln1683fs; shifts the reading frame from glutamine 1683.
Molecular consequence: frameshift variant.
Genome position (GRCh38, 1-based): chr13:32,339,404-32,339,405, GA deleted; deleting any 2 consecutive bases within chr13:32,339,403-32,339,405 gives the same sequence; the c. name uses the placement nearest the transcript's 3' end. VCF-style (leftmost placement, unchanged base first): chr13-32339402-CAG-C. GRCh37 (hg19) VCF-style: chr13-32913539-CAG-C.
Other names: 5277_5278delGA; short protein forms Q1683fs.
Identifiers: ClinVar variation 266844 (VCV000266844.5), dbSNP rs886040561, ClinGen allele CA10589283.
Genomic context (GRCh38, chr13:32,339,402, plus strand): 5'-GTCATTGAAAATTCAGCCTTAGCTTTTTACACAAGTTGTAGTAGAAAAACTTCTGTGAGT[CAG>C]ACTTCATTACTTGAAGCAAAAAAATGGCTTAGAGAAGGAATATTTGATGGTCAACCAGAA-3'

ClinVar aggregate classification (germline): Pathogenic. Review status: reviewed by expert panel (3 of 4 stars). 2 submissions from 2 submitters: Pathogenic (1). 1 of the submissions does not count toward it. Last evaluated 2016-10-18.

Conditions:
Breast-ovarian cancer, familial, susceptibility to, 2 (BROVCA2). Also called: BRCA2 Hereditary Breast and Ovarian Cancer. Identifiers: Orphanet 145, MedGen C2675520, MONDO:0012933, OMIM 612555. Disease mechanism: loss of function.

Submissions (2):

Evidence-based Network for the Interpretation of Germline Mutant Alleles (ENIGMA)
Classification: Pathogenic for Breast-ovarian cancer, familial, susceptibility to, 2. Last evaluated: 2016-10-18. Review status: reviewed by expert panel. Criteria: ENIGMA BRCA1/2 Classification Criteria (2015). Collection method: curation. Allele origin: germline.
Comment: Variant allele predicted to encode a truncated non-functional protein.

Consortium of Investigators of Modifiers of BRCA1/2 (CIMBA), c/o University of Cambridge
Classification: Pathogenic for Breast-ovarian cancer, familial, susceptibility to, 2. Last evaluated: 2015-10-02. Review status: criteria provided, single submitter. Criteria: CIMBA Mutation Classification guidelines May 2016. Collection method: clinical testing. Allele origin: germline. Not counted in ClinVar's aggregate classification.